The following is an entry in ClinVar:

NM_182643.3(DLC1):c.805T>A (p.Leu269Ile)

Gene: DLC1 (DLC1 Rho GTPase activating protein; minus strand). Cytogenetic location: 8p22.
Variant type: single nucleotide variant.
Coding change: c.805T>A on transcript NM_182643.3 (MANE Select); coding-DNA position 805, T replaced by A.
Protein change: p.Leu269Ile; replaces leucine 269 with isoleucine.
Molecular consequence: missense variant. On other transcripts: 5 prime UTR variant (1).
Genome position (GRCh38, 1-based): chr8:13,499,267, A>T on the plus strand (T>A on the coding strand, the complement: DLC1 is on the minus strand). VCF-style: chr8-13499267-A-T. GRCh37 (hg19) VCF-style: chr8-13356776-A-T.
Other names: c.805T>A, p.Leu269Ile (NM_001348081.2, NM_001413124.1, NM_001413125.1 and 1 more transcripts); c.-647T>A (NM_001348082.2); short protein forms L269I.
Identifiers: ClinVar variation 1976279 (VCV001976279.6), dbSNP rs779873981, ClinGen allele CA4639392.

ClinVar aggregate classification (germline): Uncertain significance. Review status: criteria provided, multiple submitters, no conflicts (2 of 4 stars). 2 submissions from 2 submitters: Uncertain significance (2). Last evaluated 2024-06-17.

Conditions:
Colorectal cancer. Also called: Malignant Colorectal Neoplasm; Colorectal cancer, somatic. Identifiers: MedGen C0346629, MONDO:0005575, OMIM 114500.

Allele frequency attached by ClinVar (database versions not stated): gnomAD exomes below 0.00001; ExAC 0.00002; TOPMed 0.00002; gnomAD 0.00003.
gnomAD v4.1: 8 of 1,614,172 alleles (0.0005%); highest among the groups gnomAD compares: East Asian, 0.0067%; no homozygotes.

Submissions (2):

Fulgent Genetics
Classification: Uncertain significance for Colorectal cancer. Last evaluated: 2024-06-17. Review status: criteria provided, single submitter. Criteria: ACMG Guidelines, 2015. Collection method: clinical testing. Allele origin: germline.

Labcorp Genetics (formerly Invitae), Labcorp
Classification: Uncertain significance. Last evaluated: 2024-06-03. Review status: criteria provided, single submitter. Criteria: Invitae Variant Classification Sherloc (09022015). Collection method: clinical testing. Allele origin: germline.
Comment: This sequence change replaces leucine, which is neutral and non-polar, with isoleucine, which is neutral and non-polar, at codon 269 of the DLC1 protein (p.Leu269Ile). This variant is present in population databases (rs779873981, gnomAD 0.005%). This variant has not been reported in the literature in individuals affected with DLC1-related conditions. ClinVar contains an entry for this variant (Variation ID: 1976279). An algorithm developed to predict the effect of missense changes on protein structure and function (PolyPhen-2) suggests that this variant is likely to be tolerated. In summary, the available evidence is currently insufficient to determine the role of this variant in disease. Therefore, it has been classified as a Variant of Uncertain Significance.